The following is an entry in ClinVar:

NM_024529.5(CDC73):c.367C>A (p.Gln123Lys)

Gene: CDC73 (cell division cycle 73; plus strand). Cytogenetic location: 1q31.2.
Variant type: single nucleotide variant.
Coding change: c.367C>A on transcript NM_024529.5 (MANE Select); coding-DNA position 367, C replaced by A.
Protein change: p.Gln123Lys; replaces glutamine 123 with lysine.
Molecular consequence: missense variant.
Genome position (GRCh38, 1-based): chr1:193,135,450, C>A. VCF-style: chr1-193135450-C-A. GRCh37 (hg19) VCF-style: chr1-193104580-C-A.
Other names: short protein forms Q123K.
Identifiers: ClinVar variation 5033834 (VCV005033834.1).
Genomic context (GRCh38, chr1:193,135,450, plus strand): 5'-GCAACATCGGCAAGTATAGACAGAAGCGCTCCCTTAGAAATAGGTCTTCAGCGATCTACT[C>A]AAGGTATGTCTTGTTGCATATTTATATTGAACTTTCAGAAGCCCATTCCAAAACTACACA-3'
Protein context (NP_078805.3, residues 113-133): PLEIGLQRST[Gln123Lys]VKRAADEVLA

ClinVar aggregate classification (germline): Uncertain significance (1 of 4 stars; one submission).

Conditions:
Hereditary cancer-predisposing syndrome. Also called: Neoplastic Syndromes, Hereditary; Tumor predisposition; Hereditary neoplastic syndrome; Hereditary Cancer Syndrome. Identifiers: Orphanet 140162, MedGen C0027672, MeSH D009386, MONDO:0015356.

Submission:

Ambry Genetics
Classification: Uncertain significance for Hereditary cancer-predisposing syndrome. Last evaluated: 2026-07-12. Review status: criteria provided, single submitter. Criteria: Ambry Variant Classification Scheme 2023. Collection method: clinical testing. Allele origin: germline.
Comment: The p.Q123K variant (also known as c.367C>A), located in coding exon 4 of the CDC73 gene, results from a C to A substitution at nucleotide position 367. The glutamine at codon 123 is replaced by lysine, an amino acid with similar properties. This amino acid position is conserved. In addition, the in silico prediction for this alteration is inconclusive. Based on the available evidence, the clinical significance of this variant remains unclear.